The following is an entry in ClinVar:

NM_001257180.2(SLC20A2):c.1399C>T (p.Arg467Ter)

Gene: SLC20A2 (solute carrier family 20 member 2; minus strand). Cytogenetic location: 8p11.21.
Variant type: single nucleotide variant.
Coding change: c.1399C>T on transcript NM_001257180.2 (MANE Select); coding-DNA position 1399, C replaced by T.
Protein change: p.Arg467Ter; replaces arginine 467 with a stop codon.
Molecular consequence: nonsense.
Genome position (GRCh38, 1-based): chr8:42,437,113, G>A on the plus strand (C>T on the coding strand, the complement: SLC20A2 is on the minus strand). VCF-style: chr8-42437113-G-A. GRCh37 (hg19) VCF-style: chr8-42294631-G-A.
Other names: c.1399C>T, p.Arg467Ter (NM_001257181.2, NM_006749.5); short protein forms R467*.
Identifiers: ClinVar variation 620147 (VCV000620147.8), dbSNP rs1563452873, ClinGen allele CA371096770.
Genomic context (GRCh38, chr8:42,437,113, plus strand): 5'-ACAGGAGGTGAACCTCGGGTGCGTCCTTCTCCTCCTTCTCCTCCTCTGCAGGGTCCTCTC[G>A]CGGCTGGTCAGGGTCGGCCAGCTCCGACGCCAGCTTCATCTCCACGCCGCCCTCCTCCGC-3'

ClinVar aggregate classification (germline): Pathogenic. Review status: criteria provided, multiple submitters, no conflicts (2 of 4 stars). 3 submissions from 3 submitters: Pathogenic (3). Last evaluated 2024-12-20.

Conditions:
Idiopathic basal ganglia calcification 1 (PFBC1A). Also called: PRIMARY FAMILIAL BRAIN CALCIFICATION 1A, AUTOSOMAL DOMINANT; Fahr's syndrome; Familial Idiopathic Basal Ganglia Calcification 3; Primary Familial Brain Calcification; Familial Idiopathic Basal Ganglia Calcification 2; Cerebral calcification nonarteriosclerotic idiopathic adult-onset. Identifiers: Orphanet 1980, MedGen C4551624, MONDO:0024538, OMIM 213600.

Submissions (3):

Institute of Medical Genetics and Applied Genomics, University Hospital Tübingen
Classification: Pathogenic for Idiopathic basal ganglia calcification 1. Last evaluated: 2024-12-20. Review status: criteria provided, single submitter. Criteria: ACMG Guidelines, 2015. Collection method: clinical testing. Allele origin: germline. Inheritance: Autosomal dominant inheritance. Affected: yes.

GeneDx
Classification: Pathogenic. Last evaluated: 2024-03-04. Review status: criteria provided, single submitter. Criteria: GeneDx Variant Classification Process June 2021. Collection method: clinical testing. Allele origin: germline. Affected: yes.
Comment: Published functional studies demonstrate a damaging effect on phosphate transport activity (PMID: 30704756); Nonsense variant predicted to result in protein truncation or nonsense mediated decay in a gene for which loss of function is a known mechanism of disease; Not observed in large population cohorts (gnomAD); This variant is associated with the following publications: (PMID: 25726928, 29627011, 25212438, 25686613, 28716220, 28320140, 27777849, 30704756, 24463626)

Labcorp Genetics (formerly Invitae), Labcorp
Classification: Pathogenic. Last evaluated: 2022-06-27. Review status: criteria provided, single submitter. Criteria: Invitae Variant Classification Sherloc (09022015). Collection method: clinical testing. Allele origin: germline.
Comment: This sequence change creates a premature translational stop signal (p.Arg467*) in the SLC20A2 gene. It is expected to result in an absent or disrupted protein product. Loss-of-function variants in SLC20A2 are known to be pathogenic (PMID: 23334463). This variant is not present in population databases (gnomAD no frequency). This premature translational stop signal has been observed in individual(s) with idiopathic basal ganglia calcification (PMID: 24463626). ClinVar contains an entry for this variant (Variation ID: 620147). For these reasons, this variant has been classified as Pathogenic.

Literature cited by the submitters: PubMed 23334463 (cited by Labcorp Genetics (formerly Invitae), Labcorp); PubMed 24463626 (cited by Labcorp Genetics (formerly Invitae), Labcorp).